The following is an entry in ClinVar:

NM_000080.4(CHRNE):c.1450G>C (p.Asp484His)

Gene: CHRNE (cholinergic receptor nicotinic epsilon subunit; minus strand). Cytogenetic location: 17p13.2.
Variant type: single nucleotide variant.
Coding change: c.1450G>C on transcript NM_000080.4 (MANE Select); coding-DNA position 1450, G replaced by C.
Protein change: p.Asp484His; replaces aspartic acid 484 with histidine.
Molecular consequence: missense variant.
Genome position (GRCh38, 1-based): chr17:4,898,768, C>G on the plus strand (G>C on the coding strand, the complement: CHRNE is on the minus strand). VCF-style: chr17-4898768-C-G. GRCh37 (hg19) VCF-style: chr17-4802063-C-G.
Other names: short protein forms D484H.
Identifiers: ClinVar variation 1939946 (VCV001939946.2), dbSNP rs374577354, ClinGen allele CA8313816.

ClinVar aggregate classification (germline): Uncertain significance (1 of 4 stars; one submission).

Conditions:
Congenital myasthenic syndrome 4A. Also called: Myasthenic syndrome, congenital, 4a, slow-channel; CONGENITAL MYASTHENIC SYNDROME TYPE Ia1; MYASTHENIC SYNDROME, CONGENITAL, 4A, SLOW-CHANNEL, AUTOSOMAL RECESSIVE. Identifiers: Orphanet 590, MedGen C4225413, MONDO:0011600, OMIM 605809.

Allele frequency attached by ClinVar (database versions not stated): ExAC 0.00001; gnomAD 0.00001; TOPMed 0.00001; gnomAD exomes 0.00003; ESP Exome Variant Server 0.00008.
gnomAD v4.1: 44 of 1,610,848 alleles (0.0027%); highest among the groups gnomAD compares: Non-Finnish European, 0.0036%; no homozygotes.

Submission:

Labcorp Genetics (formerly Invitae), Labcorp
Classification: Uncertain significance for Congenital myasthenic syndrome 4A. Last evaluated: 2022-09-17. Review status: criteria provided, single submitter. Criteria: Invitae Variant Classification Sherloc (09022015). Collection method: clinical testing. Allele origin: germline.
Comment: This sequence change replaces aspartic acid, which is acidic and polar, with histidine, which is basic and polar, at codon 484 of the CHRNE protein (p.Asp484His). This variant is present in population databases (rs374577354, gnomAD 0.003%). This variant has not been reported in the literature in individuals affected with CHRNE-related conditions. Advanced modeling of protein sequence and biophysical properties (such as structural, functional, and spatial information, amino acid conservation, physicochemical variation, residue mobility, and thermodynamic stability) performed at Invitae indicates that this missense variant is not expected to disrupt CHRNE protein function. In summary, the available evidence is currently insufficient to determine the role of this variant in disease. Therefore, it has been classified as a Variant of Uncertain Significance.